The following is an entry in ClinVar:

NM_016938.5(EFEMP2):c.565G>A (p.Glu189Lys)

Gene: EFEMP2 (EGF-like fibulin extracellular matrix protein 2; minus strand). Cytogenetic location: 11q13.1.
Variant type: single nucleotide variant.
Coding change: c.565G>A on transcript NM_016938.5 (MANE Select); coding-DNA position 565, G replaced by A.
Protein change: p.Glu189Lys; replaces glutamic acid 189 with lysine.
Molecular consequence: missense variant. On other transcripts: non-coding transcript variant (1).
Genome position (GRCh38, 1-based): chr11:65,870,163, C>T on the plus strand (G>A on the coding strand, the complement: EFEMP2 is on the minus strand). VCF-style: chr11-65870163-C-T. GRCh37 (hg19) VCF-style: chr11-65637634-C-T.
Other names: short protein forms E189K.
Identifiers: ClinVar variation 1326054 (VCV001326054.8), dbSNP rs148940436, ClinGen allele CA6110616.

ClinVar aggregate classification (germline): Uncertain significance. Review status: criteria provided, multiple submitters, no conflicts (2 of 4 stars). 3 submissions from 3 submitters: Uncertain significance (3). Last evaluated 2025-12-01.

Conditions:
Cardiovascular phenotype. Identifiers: MedGen CN230736.
Cutis laxa, autosomal recessive, type 1B (ARCL1B). Also called: CUTIS LAXA, AUTOSOMAL RECESSIVE, TYPE IB; EFEMP2-Related Cutis Laxa. Identifiers: Orphanet 90349, MedGen C3280798, MONDO:0013754, OMIM 614437. Disease mechanism: loss of function.

Allele frequency attached by ClinVar (database versions not stated): gnomAD 0.00003 and 0.00005; TOPMed 0.00003; gnomAD exomes 0.00009; ExAC 0.00014; ESP Exome Variant Server 0.00015; 1000 Genomes Project 30x 0.00031; 1000 Genomes Project 0.00040.

Submissions (3):

Labcorp Genetics (formerly Invitae), Labcorp
Classification: Uncertain significance for Cutis laxa, autosomal recessive, type 1B. Last evaluated: 2025-12-01. Review status: criteria provided, single submitter. Criteria: Invitae Variant Classification Sherloc (09022015). Collection method: clinical testing. Allele origin: germline.
Comment: This sequence change replaces glutamic acid, which is acidic and polar, with lysine, which is basic and polar, at codon 189 of the EFEMP2 protein (p.Glu189Lys). This variant is present in population databases (rs148940436, gnomAD 0.03%). This variant has not been reported in the literature in individuals affected with EFEMP2-related conditions. ClinVar contains an entry for this variant (Variation ID: 1326054). Invitae Evidence Modeling of protein sequence and biophysical properties (such as structural, functional, and spatial information, amino acid conservation, physicochemical variation, residue mobility, and thermodynamic stability) has been performed for this missense variant. However, the output from this modeling did not meet the statistical confidence thresholds required to predict the impact of this variant on EFEMP2 protein function. In summary, the available evidence is currently insufficient to determine the role of this variant in disease. Therefore, it has been classified as a Variant of Uncertain Significance.

Ambry Genetics
Classification: Uncertain significance for Cardiovascular phenotype. Last evaluated: 2024-11-18. Review status: criteria provided, single submitter. Criteria: Ambry Variant Classification Scheme 2023. Collection method: clinical testing. Allele origin: germline.
Comment: The p.E189K variant (also known as c.565G>A), located in coding exon 5 of the EFEMP2 gene, results from a G to A substitution at nucleotide position 565. The glutamic acid at codon 189 is replaced by lysine, an amino acid with similar properties. This amino acid position is conserved. In addition, the in silico prediction for this alteration is inconclusive. Since supporting evidence is limited at this time, the clinical significance of this alteration remains unclear.

GeneDx
Classification: Uncertain significance. Last evaluated: 2021-05-21. Review status: criteria provided, single submitter. Criteria: GeneDx Variant Classification Process June 2021. Collection method: clinical testing. Allele origin: germline. Affected: yes.
Comment: In silico analysis supports that this missense variant does not alter protein structure/function; Has not been previously published as pathogenic or benign to our knowledge